The following is an entry in ClinVar:

NM_033004.4(NLRP1):c.2885C>T (p.Thr962Ile)

Gene: NLRP1 (NLR family pyrin domain containing 1; minus strand). Cytogenetic location: 17p13.2.
Variant type: single nucleotide variant.
Coding change: c.2885C>T on transcript NM_033004.4 (MANE Select); coding-DNA position 2885, C replaced by T.
Protein change: p.Thr962Ile; replaces threonine 962 with isoleucine.
Molecular consequence: missense variant. On other transcripts: intron variant (2).
Genome position (GRCh38, 1-based): chr17:5,536,926, G>A on the plus strand (C>T on the coding strand, the complement: NLRP1 is on the minus strand). VCF-style: chr17-5536926-G-A. GRCh37 (hg19) VCF-style: chr17-5440246-G-A.
Other names: c.2885C>T, p.Thr962Ile (NM_001033053.3, NM_014922.5); c.2870+2489C>T (NM_033007.4, NM_033006.4); short protein forms T962I.
Identifiers: ClinVar variation 2879166 (VCV002879166.3), dbSNP rs761973445, ClinGen allele CA8327012.

ClinVar aggregate classification (germline): Uncertain significance (1 of 4 stars; one submission).

Allele frequency attached by ClinVar (database versions not stated): ExAC 0.00001; gnomAD exomes 0.00001.
gnomAD v4.1: 13 of 1,613,410 alleles (0.00081%); highest among the groups gnomAD compares: Non-Finnish European, 0.001%; no homozygotes.

Submission:

Labcorp Genetics (formerly Invitae), Labcorp
Classification: Uncertain significance. Last evaluated: 2023-12-03. Review status: criteria provided, single submitter. Criteria: Invitae Variant Classification Sherloc (09022015). Collection method: clinical testing. Allele origin: germline.
Comment: This sequence change replaces threonine, which is neutral and polar, with isoleucine, which is neutral and non-polar, at codon 962 of the NLRP1 protein (p.Thr962Ile). This variant is present in population databases (rs761973445, gnomAD 0.0009%). This variant has not been reported in the literature in individuals affected with NLRP1-related conditions. An algorithm developed to predict the effect of missense changes on protein structure and function (PolyPhen-2) suggests that this variant is likely to be tolerated. In summary, the available evidence is currently insufficient to determine the role of this variant in disease. Therefore, it has been classified as a Variant of Uncertain Significance.